The following is an entry in ClinVar:

ClinVar aggregate classification (germline): Uncertain significance (1 of 4 stars; one submission).

Conditions:
Brugada syndrome 7 (BRGDA7). Identifiers: Orphanet 130, MedGen C2751088, MONDO:0013146, OMIM 613120.

Allele frequency attached by ClinVar (database versions not stated): gnomAD exomes below 0.00001; ExAC 0.00001.
gnomAD v4.1: 1 of 1,614,170 alleles (0.000062%); highest among the groups gnomAD compares: Admixed American, 0.0017%; no homozygotes.

Submission:

Labcorp Genetics (formerly Invitae), Labcorp
Classification: Uncertain significance for Brugada syndrome 7. Last evaluated: 2024-03-05. Review status: criteria provided, single submitter. Criteria: Invitae Variant Classification Sherloc (09022015). Collection method: clinical testing. Allele origin: germline.
Comment: This sequence change replaces aspartic acid, which is acidic and polar, with asparagine, which is neutral and polar, at codon 99 of the SCN3B protein (p.Asp99Asn). This variant is present in population databases (rs753656773, gnomAD 0.003%). This variant has not been reported in the literature in individuals affected with SCN3B-related conditions. ClinVar contains an entry for this variant (Variation ID: 1438625). An algorithm developed to predict the effect of missense changes on protein structure and function (PolyPhen-2) suggests that this variant is likely to be disruptive. In summary, the available evidence is currently insufficient to determine the role of this variant in disease. Therefore, it has been classified as a Variant of Uncertain Significance.

NM_001040151.2(SCN3B):c.295G>A (p.Asp99Asn)

Gene: SCN3B (sodium voltage-gated channel beta subunit 3; minus strand). Cytogenetic location: 11q24.1.
Variant type: single nucleotide variant.
Coding change: c.295G>A on transcript NM_001040151.2 (MANE Select); coding-DNA position 295, G replaced by A.
Protein change: p.Asp99Asn; replaces aspartic acid 99 with asparagine.
Molecular consequence: missense variant.
Genome position (GRCh38, 1-based): chr11:123,642,596, C>T on the plus strand (G>A on the coding strand, the complement: SCN3B is on the minus strand). VCF-style: chr11-123642596-C-T. GRCh37 (hg19) VCF-style: chr11-123513304-C-T.
Other names: c.295G>A, p.Asp99Asn (NM_018400.4); short protein forms D99N.
Identifiers: ClinVar variation 1438625 (VCV001438625.8), dbSNP rs753656773, ClinGen allele CA6334043.